The following is an entry in ClinVar:

ClinVar aggregate classification (germline): Likely benign. Review status: criteria provided, multiple submitters, no conflicts (2 of 4 stars). 4 submissions from 4 submitters: Likely benign (4). Last evaluated 2025-12-29.

Conditions:
Cardiac arrhythmia. Also called: Arrhythmia; Cardiac rhythm disease. Identifiers: MedGen C0003811, MONDO:0007263, HP:0011675.
Long QT syndrome (LQTS). Identifiers: MedGen C0023976, MeSH D008133, MONDO:0002442. Disease mechanism: loss of function. Inheritance: Various modes of inheritance.
Cardiovascular phenotype. Identifiers: MedGen CN230736.

Allele frequency attached by ClinVar (database versions not stated): gnomAD exomes below 0.00001 and 0.00001; TOPMed 0.00004; ExAC 0.00001; gnomAD 0.00003.
gnomAD v4.1: 13 of 1,613,948 alleles (0.00081%); highest among the groups gnomAD compares: African/African-American, 0.0093%; no homozygotes.

Submissions (4):

Labcorp Genetics (formerly Invitae), Labcorp
Classification: Likely benign for Long QT syndrome. Last evaluated: 2025-12-29. Review status: criteria provided, single submitter. Criteria: Invitae Variant Classification Sherloc (09022015). Collection method: clinical testing. Allele origin: germline.

All of Us Research Program, National Institutes of Health
Classification: Likely benign for Long QT syndrome. Last evaluated: 2023-11-30. Review status: criteria provided, single submitter. Criteria: ACMG Guidelines, 2015. Collection method: clinical testing. Allele origin: germline. Inheritance: Autosomal dominant inheritance. Observed: 3 variant alleles, 3 heterozygotes.
Comment: This study involves interpretation of variants in research participants for the purpose of population health screening. Participant phenotype was not available at the time of variant classification. Additional details can be found in publication PMID: 35346344, PMCID: PMC8962531

Color Diagnostics, LLC DBA Color Health
Classification: Likely benign for Cardiac arrhythmia. Last evaluated: 2022-11-06. Review status: criteria provided, single submitter. Criteria: ACMG Guidelines, 2015. Collection method: clinical testing. Allele origin: germline.

Ambry Genetics
Classification: Likely benign for Cardiovascular phenotype. Last evaluated: 2020-12-11. Review status: criteria provided, single submitter. Criteria: Ambry Variant Classification Scheme 2023. Collection method: clinical testing. Allele origin: germline.

NM_000218.3(KCNQ1):c.1548C>T (p.Val516=)

Gene: KCNQ1 (potassium voltage-gated channel subfamily Q member 1; plus strand). Cytogenetic location: 11p15.5.
Variant type: single nucleotide variant.
Coding change: c.1548C>T on transcript NM_000218.3 (MANE Select); coding-DNA position 1548, C replaced by T.
Protein change: p.Val516=; no amino-acid change (valine 516 retained).
Molecular consequence: synonymous variant.
Genome position (GRCh38, 1-based): chr11:2,768,877, C>T. VCF-style: chr11-2768877-C-T. GRCh37 (hg19) VCF-style: chr11-2790107-C-T.
Other names: c.1452C>T, p.Val484= (NM_001406836.1); c.1278C>T, p.Val426= (NM_001406837.1); c.1008C>T, p.Val336= (NM_001406838.1); c.1167C>T, p.Val389= (NM_181798.2).
Identifiers: ClinVar variation 1558599 (VCV001558599.12), dbSNP rs748073960, ClinGen allele CA030830.